The following is an entry in ClinVar:

NM_001142864.4(PIEZO1):c.6389C>T (p.Thr2130Met)

Gene: PIEZO1 (piezo type mechanosensitive ion channel component 1 (Er blood group); minus strand). Cytogenetic location: 16q24.3.
Variant type: single nucleotide variant.
Coding change: c.6389C>T on transcript NM_001142864.4 (MANE Select); coding-DNA position 6389, C replaced by T.
Protein change: p.Thr2130Met; replaces threonine 2130 with methionine.
Molecular consequence: missense variant.
Genome position (GRCh38, 1-based): chr16:88,719,656, G>A on the plus strand (C>T on the coding strand, the complement: PIEZO1 is on the minus strand). VCF-style: chr16-88719656-G-A. GRCh37 (hg19) VCF-style: chr16-88786064-G-A.
Other names: short protein forms T2130M.
Identifiers: ClinVar variation 5005655 (VCV005005655.2).
Genomic context (GRCh38, chr16:88,719,656, plus strand): 5'-TTGATGATGAAGATGTTGGCATAGATGTCCTCCACACACATCCAGCTGGACAGGGACAGC[G>A]TGGTGTCCGTCCACACCCAGTCCATCACTGCCCGCAGCTCCACCAGGAACGGCACCAGCC-3'
Protein context (NP_001136336.2, residues 2120-2140): AVMDWVWTDT[Thr2130Met]LSLSSWMCVE

ClinVar aggregate classification (germline): Uncertain significance (1 of 4 stars; one submission).

Conditions:
Blood group, ER (ER). Also called: ER BLOOD GROUP SYSTEM. Identifiers: MedGen C5703066, OMIM 620207.
Dehydrated hereditary stomatocytosis with or without pseudohyperkalemia and/or perinatal edema (DHS1). Also called: Dehydrated hereditary stomatocytosis 1 with or without pseudohyperkalemia and/or perinatal edema; PSEUDOHYPERKALEMIA EDINBURGH; DEHYDRATED HEREDITARY STOMATOCYTOSIS AND PSEUDOHYPERKALEMIA; DEHYDRATED HEREDITARY STOMATOCYTOSIS WITH PSEUDOHYPERKALEMIA AND PERINATAL EDEMA; Pseudohyperkalemia, familial, 1, due to red cell leak. Identifiers: Orphanet 3202, MedGen C4551512, MONDO:0008689, OMIM 194380.
Lymphatic malformation 6 (LMPHM6). Also called: PIEZO1-related generalized lymphatic dysplasia with non-immune hydrops fetalis; GENERALIZED LYMPHATIC DYSPLASIA OF FOTIOU; Lymphedema, hereditary, III. Identifiers: Orphanet 568062, MedGen C4225184, MONDO:0014797, OMIM 616843.

gnomAD v4.1: 58 of 1,553,920 alleles (0.0037%); highest among the groups gnomAD compares: East Asian, 0.12%; no homozygotes.

Submission:

Juno Genomics, Hangzhou Juno Genomics, Inc
Classification: Uncertain significance for Blood group, ER; Dehydrated hereditary stomatocytosis with or without pseudohyperkalemia and/or perinatal edema; Lymphatic malformation 6. Review status: criteria provided, single submitter. Criteria: ACMG Guidelines, 2015. Collection method: clinical testing. Allele origin: germline.
Comment: Absent from controls (or at extremely low frequency if recessive) in Genome Aggregation Database.;Multiple lines of computational evidence support a deleterious effect on the gene or gene product.